The following is an entry in ClinVar:

NM_005751.5(AKAP9):c.1783A>G (p.Asn595Asp)

Gene: AKAP9 (A-kinase anchoring protein 9; plus strand). Cytogenetic location: 7q21.2.
Variant type: single nucleotide variant.
Coding change: c.1783A>G on transcript NM_005751.5 (MANE Select); coding-DNA position 1783, A replaced by G.
Protein change: p.Asn595Asp; replaces asparagine 595 with aspartic acid.
Molecular consequence: missense variant.
Genome position (GRCh38, 1-based): chr7:92,001,700, A>G. VCF-style: chr7-92001700-A-G. GRCh37 (hg19) VCF-style: chr7-91631014-A-G.
Other names: c.1783A>G, p.Asn595Asp (NM_147185.3); short protein forms N595D.
Identifiers: ClinVar variation 1780041 (VCV001780041.8), dbSNP rs1440681292, ClinGen allele CA368122575.

ClinVar aggregate classification (germline): Uncertain significance. Review status: criteria provided, multiple submitters, no conflicts (2 of 4 stars). 2 submissions from 2 submitters: Uncertain significance (2). Last evaluated 2025-08-13.

Conditions:
Long QT syndrome (LQTS). Identifiers: MedGen C0023976, MeSH D008133, MONDO:0002442. Disease mechanism: loss of function. Inheritance: Various modes of inheritance.
Cardiovascular phenotype. Identifiers: MedGen CN230736.

Allele frequency attached by ClinVar (database versions not stated): gnomAD exomes 0.00001; gnomAD 0.00002; TOPMed 0.00003.
gnomAD v4.1: 6 of 1,612,210 alleles (0.00037%); highest among the groups gnomAD compares: African/African-American, 0.008%; no homozygotes.

Submissions (2):

Labcorp Genetics (formerly Invitae), Labcorp
Classification: Uncertain significance for Long QT syndrome. Last evaluated: 2025-08-13. Review status: criteria provided, single submitter. Criteria: Invitae Variant Classification Sherloc (09022015). Collection method: clinical testing. Allele origin: germline.
Comment: This sequence change replaces asparagine, which is neutral and polar, with aspartic acid, which is acidic and polar, at codon 595 of the AKAP9 protein (p.Asn595Asp). This variant is not present in population databases (gnomAD no frequency). This variant has not been reported in the literature in individuals affected with AKAP9-related conditions. ClinVar contains an entry for this variant (Variation ID: 1780041). An algorithm developed to predict the effect of missense changes on protein structure and function (PolyPhen-2) suggests that this variant is likely to be disruptive. In summary, the available evidence is currently insufficient to determine the role of this variant in disease. Therefore, it has been classified as a Variant of Uncertain Significance.

Ambry Genetics
Classification: Uncertain significance for Cardiovascular phenotype. Last evaluated: 2023-09-14. Review status: criteria provided, single submitter. Criteria: Ambry Variant Classification Scheme 2023. Collection method: clinical testing. Allele origin: germline.
Comment: The p.N595D variant (also known as c.1783A>G), located in coding exon 8 of the AKAP9 gene, results from an A to G substitution at nucleotide position 1783. The asparagine at codon 595 is replaced by aspartic acid, an amino acid with highly similar properties. This amino acid position is highly conserved in available vertebrate species. In addition, this alteration is predicted to be tolerated by in silico analysis. The evidence for this gene-disease relationship is limited; therefore, the clinical significance of this alteration is unclear.